The following is an entry in ClinVar:

ClinVar aggregate classification (germline): Uncertain significance. Review status: criteria provided, multiple submitters, no conflicts (2 of 4 stars). 4 submissions from 4 submitters: Uncertain significance (4). Last evaluated 2023-08-14.

Conditions:
Cohen syndrome (COH1). Also called: Cutis verticis gyrata, retinitis pigmentosa, and sensorineural deafness; PEPPER SYNDROME. Identifiers: Orphanet 193, MedGen C0265223, MONDO:0008999, OMIM 216550.
Inborn genetic diseases. Identifiers: MedGen C0950123, MeSH D030342.

Allele frequency attached by ClinVar (database versions not stated): gnomAD below 0.00001 and 0.00002; TOPMed 0.00001; gnomAD exomes 0.00005 and 0.00010; ExAC 0.00010.
gnomAD v4.1: 81 of 1,612,612 alleles (0.005%); highest among the groups gnomAD compares: South Asian, 0.075%; no homozygotes.

Submissions (4):

Blueprint Genetics
Classification: Uncertain significance. Last evaluated: 2023-08-14. Review status: criteria provided, single submitter. Criteria: ACMG Guidelines, 2015. Collection method: clinical testing. Allele origin: germline.

Labcorp Genetics (formerly Invitae), Labcorp
Classification: Uncertain significance for Cohen syndrome. Last evaluated: 2022-06-09. Review status: criteria provided, single submitter. Criteria: Invitae Variant Classification Sherloc (09022015). Collection method: clinical testing. Allele origin: germline.
Comment: This sequence change replaces proline, which is neutral and non-polar, with threonine, which is neutral and polar, at codon 3130 of the VPS13B protein (p.Pro3130Thr). This variant is present in population databases (rs748030120, gnomAD 0.07%). This variant has not been reported in the literature in individuals affected with VPS13B-related conditions. ClinVar contains an entry for this variant (Variation ID: 910416). Algorithms developed to predict the effect of missense changes on protein structure and function are either unavailable or do not agree on the potential impact of this missense change (SIFT: "Not Available"; PolyPhen-2: "Possibly Damaging"; Align-GVGD: "Not Available"). In summary, the available evidence is currently insufficient to determine the role of this variant in disease. Therefore, it has been classified as a Variant of Uncertain Significance.

Ambry Genetics
Classification: Uncertain significance for Inborn genetic diseases. Last evaluated: 2022-05-25. Review status: criteria provided, single submitter. Criteria: Ambry Variant Classification Scheme 2023. Collection method: clinical testing. Allele origin: germline.

Illumina Laboratory Services, Illumina
Classification: Uncertain significance for Cohen syndrome. Last evaluated: 2018-01-13. Review status: criteria provided, single submitter. Criteria: ICSL Variant Classification Criteria 13 December 2019. Collection method: clinical testing. Allele origin: germline.

NM_152564.5(VPS13B):c.9313C>A (p.Pro3105Thr)

Gene: VPS13B (vacuolar protein sorting 13 homolog B; plus strand). Cytogenetic location: 8q22.2.
Variant type: single nucleotide variant.
Coding change: c.9313C>A on transcript NM_152564.5 (MANE Select); coding-DNA position 9313, C replaced by A.
Protein change: p.Pro3105Thr; replaces proline 3105 with threonine.
Molecular consequence: missense variant.
Genome position (GRCh38, 1-based): chr8:99,823,961, C>A. VCF-style: chr8-99823961-C-A. GRCh37 (hg19) VCF-style: chr8-100836189-C-A.
Other names: c.9388C>A, p.Pro3130Thr (NM_017890.5); c.9388C>A (NM_017890.3); short protein forms P3105T, P3130T.
Identifiers: ClinVar variation 910416 (VCV000910416.8), dbSNP rs748030120, ClinGen allele CA4824664.